The following is an entry in ClinVar:

ClinVar aggregate classification (germline): Uncertain significance (1 of 4 stars; one submission).

Allele frequency attached by ClinVar (database versions not stated): ExAC 0.00002; TOPMed 0.00002; gnomAD 0.00003; gnomAD exomes 0.00003; ESP Exome Variant Server 0.00008.
gnomAD v4.1: 41 of 1,612,466 alleles (0.0025%); highest among the groups gnomAD compares: Non-Finnish European, 0.0034%; no homozygotes.

Submission:

Labcorp Genetics (formerly Invitae), Labcorp
Classification: Uncertain significance. Last evaluated: 2022-07-19. Review status: criteria provided, single submitter. Criteria: Invitae Variant Classification Sherloc (09022015). Collection method: clinical testing. Allele origin: germline.
Comment: This sequence change replaces lysine, which is basic and polar, with glutamic acid, which is acidic and polar, at codon 321 of the C6 protein (p.Lys321Glu). This variant is present in population databases (rs375882207, gnomAD 0.005%). This variant has not been reported in the literature in individuals affected with C6-related conditions. Algorithms developed to predict the effect of missense changes on protein structure and function (SIFT, PolyPhen-2, Align-GVGD) all suggest that this variant is likely to be tolerated. In summary, the available evidence is currently insufficient to determine the role of this variant in disease. Therefore, it has been classified as a Variant of Uncertain Significance.

NM_000065.5(C6):c.961A>G (p.Lys321Glu)

Gene: C6 (complement C6; minus strand). Cytogenetic location: 5p13.1.
Variant type: single nucleotide variant.
Coding change: c.961A>G on transcript NM_000065.5 (MANE Select); coding-DNA position 961, A replaced by G.
Protein change: p.Lys321Glu; replaces lysine 321 with glutamic acid.
Molecular consequence: missense variant.
Genome position (GRCh38, 1-based): chr5:41,176,682, T>C on the plus strand (A>G on the coding strand, the complement: C6 is on the minus strand). VCF-style: chr5-41176682-T-C. GRCh37 (hg19) VCF-style: chr5-41176784-T-C.
Other names: c.961A>G, p.Lys321Glu (NM_001115131.4); short protein forms K321E.
Identifiers: ClinVar variation 2184818 (VCV002184818.1), dbSNP rs375882207, ClinGen allele CA3252597.